The following is an entry in ClinVar:

ClinVar aggregate classification (germline): Uncertain significance (1 of 4 stars; one submission).

Allele frequency attached by ClinVar (database versions not stated): TOPMed below 0.00001; ExAC 0.00001.
gnomAD v4.1: 15 of 1,613,042 alleles (0.00093%); highest among the groups gnomAD compares: Middle Eastern, 0.017%; no homozygotes.

Submission:

Labcorp Genetics (formerly Invitae), Labcorp
Classification: Uncertain significance. Last evaluated: 2022-08-22. Review status: criteria provided, single submitter. Criteria: Invitae Variant Classification Sherloc (09022015). Collection method: clinical testing. Allele origin: germline.
Comment: This sequence change replaces valine, which is neutral and non-polar, with methionine, which is neutral and non-polar, at codon 590 of the KIAA0556 protein (p.Val590Met). In summary, the available evidence is currently insufficient to determine the role of this variant in disease. Therefore, it has been classified as a Variant of Uncertain Significance. Algorithms developed to predict the effect of missense changes on protein structure and function output the following: SIFT: "Deleterious"; PolyPhen-2: "Possibly Damaging"; Align-GVGD: "Class C0". The methionine amino acid residue is found in multiple mammalian species, which suggests that this missense change does not adversely affect protein function. This variant has not been reported in the literature in individuals affected with KIAA0556-related conditions. This variant is present in population databases (rs779478442, gnomAD 0.006%).

NM_015202.5(KATNIP):c.1768G>A (p.Val590Met)

Gene: KATNIP (katanin interacting protein; plus strand). Cytogenetic location: 16p12.1.
Variant type: single nucleotide variant.
Coding change: c.1768G>A on transcript NM_015202.5 (MANE Select); coding-DNA position 1768, G replaced by A.
Protein change: p.Val590Met; replaces valine 590 with methionine.
Molecular consequence: missense variant.
Genome position (GRCh38, 1-based): chr16:27,740,065, G>A. VCF-style: chr16-27740065-G-A. GRCh37 (hg19) VCF-style: chr16-27751386-G-A.
Other names: short protein forms V590M.
Identifiers: ClinVar variation 1934046 (VCV001934046.5), dbSNP rs779478442, ClinGen allele CA7977831.